The following is an entry in ClinVar:

NM_006231.4(POLE):c.725A>C (p.His242Pro)

Gene: POLE (DNA polymerase epsilon, catalytic subunit; minus strand). Cytogenetic location: 12q24.33.
Variant type: single nucleotide variant.
Coding change: c.725A>C on transcript NM_006231.4 (MANE Select); coding-DNA position 725, A replaced by C.
Protein change: p.His242Pro; replaces histidine 242 with proline.
Molecular consequence: missense variant.
Genome position (GRCh38, 1-based): chr12:132,677,439, T>G on the plus strand (A>C on the coding strand, the complement: POLE is on the minus strand). VCF-style: chr12-132677439-T-G. GRCh37 (hg19) VCF-style: chr12-133254025-T-G.
Other names: short protein forms H242P.
Identifiers: ClinVar variation 2504307 (VCV002504307.4), dbSNP rs767612904, ClinGen allele CA387364559.

ClinVar aggregate classification (germline): Uncertain significance. Review status: criteria provided, multiple submitters, no conflicts (2 of 4 stars). 2 submissions from 2 submitters: Uncertain significance (2). Last evaluated 2025-11-23.

gnomAD v4.1: 1 of 1,613,940 alleles (0.000062%); highest among the groups gnomAD compares: Non-Finnish European, 0.000085%; no homozygotes.

Submissions (2):

Labcorp Genetics (formerly Invitae), Labcorp
Classification: Uncertain significance. Last evaluated: 2025-11-23. Review status: criteria provided, single submitter. Criteria: Invitae Variant Classification Sherloc (09022015). Collection method: clinical testing. Allele origin: germline.
Comment: This sequence change replaces histidine, which is basic and polar, with proline, which is neutral and non-polar, at codon 242 of the POLE protein (p.His242Pro). This variant is not present in population databases (gnomAD no frequency). This variant has not been reported in the literature in individuals affected with POLE-related conditions. ClinVar contains an entry for this variant (Variation ID: 2504307). Invitae Evidence Modeling of protein sequence and biophysical properties (such as structural, functional, and spatial information, amino acid conservation, physicochemical variation, residue mobility, and thermodynamic stability) has been performed for this missense variant. However, the output from this modeling did not meet the statistical confidence thresholds required to predict the impact of this variant on POLE protein function. In summary, the available evidence is currently insufficient to determine the role of this variant in disease. Therefore, it has been classified as a Variant of Uncertain Significance.

GeneDx
Classification: Uncertain significance. Last evaluated: 2022-12-02. Review status: criteria provided, single submitter. Criteria: GeneDx Variant Classification Process June 2021. Collection method: clinical testing. Allele origin: germline. Affected: yes.
Comment: Not observed at significant frequency in large population cohorts (gnomAD); In silico analysis supports that this missense variant has a deleterious effect on protein structure/function; Has not been previously published as pathogenic or benign to our knowledge